The following is an entry in ClinVar:

NM_015267.4(CUX2):c.1919T>C (p.Ile640Thr)

Gene: CUX2 (cut like homeobox 2; plus strand). Cytogenetic location: 12q24.12.
Variant type: single nucleotide variant.
Coding change: c.1919T>C on transcript NM_015267.4 (MANE Select); coding-DNA position 1919, T replaced by C.
Protein change: p.Ile640Thr; replaces isoleucine 640 with threonine.
Molecular consequence: missense variant.
Genome position (GRCh38, 1-based): chr12:111,312,118, T>C. VCF-style: chr12-111312118-T-C. GRCh37 (hg19) VCF-style: chr12-111749922-T-C.
Other names: c.1733T>C, p.Ile578Thr (NM_001370598.1); short protein forms I578T, I640T.
Identifiers: ClinVar variation 2662171 (VCV002662171.1), dbSNP rs1886937170, ClinGen allele CA386710200.

ClinVar aggregate classification (germline): Uncertain significance (1 of 4 stars; one submission).

Submission:

GeneDx
Classification: Uncertain significance. Last evaluated: 2023-04-18. Review status: criteria provided, single submitter. Criteria: GeneDx Variant Classification Process June 2021. Collection method: clinical testing. Allele origin: germline. Affected: yes.
Comment: Not observed at significant frequency in large population cohorts (gnomAD); In silico analysis supports that this missense variant has a deleterious effect on protein structure/function; Has not been previously published as pathogenic or benign to our knowledge